The following is an entry in ClinVar:

NM_032043.3(BRIP1):c.918+10G>A

Gene: BRIP1 (BRCA1 interacting DNA helicase 1; minus strand). Cytogenetic location: 17q23.2.
Variant type: single nucleotide variant.
Coding change: c.918+10G>A on transcript NM_032043.3 (MANE Select); 10 bases into the intron after coding-DNA position 918, G replaced by A.
Molecular consequence: intron variant.
Genome position (GRCh38, 1-based): chr17:61,808,457, C>T on the plus strand (G>A on the coding strand, the complement: BRIP1 is on the minus strand). VCF-style: chr17-61808457-C-T. GRCh37 (hg19) VCF-style: chr17-59885818-C-T.
Identifiers: ClinVar variation 759943 (VCV000759943.11), dbSNP rs1365605495, ClinGen allele CA626807622.

ClinVar aggregate classification (germline): Likely benign. Review status: criteria provided, multiple submitters, no conflicts (2 of 4 stars). 2 submissions from 2 submitters: Likely benign (2). Last evaluated 2024-08-22.

Conditions:
Fanconi anemia complementation group J. Also called: BRIP1-Related Fanconi Anemia. Identifiers: Orphanet 84, MedGen C1836860, MONDO:0012187, OMIM 609054.
Familial cancer of breast. Also called: Hereditary breast cancer; BREAST CANCER, FAMILIAL; hereditary breast carcinoma. Identifiers: Orphanet 227535, MedGen C0346153, MONDO:0016419, OMIM 114480. Disease mechanism: loss of function.

Allele frequency attached by ClinVar (database versions not stated): gnomAD exomes below 0.00001.

Submissions (2):

Myriad Genetics, Inc.
Classification: Likely benign for Familial cancer of breast. Last evaluated: 2024-08-22. Review status: criteria provided, single submitter. Criteria: Myriad Autosomal Dominant, Autosomal Recessive and X-Linked Classification Criteria (2023). Collection method: clinical testing. Allele origin: unknown.
Comment: This variant is considered likely benign. This variant is intronic and is not expected to impact mRNA splicing.

Labcorp Genetics (formerly Invitae), Labcorp
Classification: Likely benign for Familial cancer of breast; Fanconi anemia complementation group J. Last evaluated: 2024-05-13. Review status: criteria provided, single submitter. Criteria: Invitae Variant Classification Sherloc (09022015). Collection method: clinical testing. Allele origin: germline.